The following is an entry in ClinVar:

ClinVar aggregate classification (germline): Uncertain significance (1 of 4 stars; one submission).

Conditions:
Cardiovascular phenotype. Identifiers: MedGen CN230736.

Allele frequency attached by ClinVar (database versions not stated): gnomAD 0.00001; TOPMed 0.00002.
gnomAD v4.1: 15 of 1,612,968 alleles (0.00093%); highest among the groups gnomAD compares: Non-Finnish European, 0.001%; no homozygotes.

Submission:

Ambry Genetics
Classification: Uncertain significance for Cardiovascular phenotype. Last evaluated: 2021-11-14. Review status: criteria provided, single submitter. Criteria: Ambry Variant Classification Scheme 2023. Collection method: clinical testing. Allele origin: germline.
Comment: The p.A501D variant (also known as c.1502C>A), located in coding exon 11 of the LAMA4 gene, results from a C to A substitution at nucleotide position 1502. The alanine at codon 501 is replaced by aspartic acid, an amino acid with dissimilar properties. This amino acid position is conserved. In addition, this alteration is predicted to be tolerated by in silico analysis. Since supporting evidence is limited at this time, the clinical significance of this alteration remains unclear.

NM_001105206.3(LAMA4):c.1523C>A (p.Ala508Asp)

Gene: LAMA4 (laminin subunit alpha 4; minus strand). Cytogenetic location: 6q21.
Variant type: single nucleotide variant.
Coding change: c.1523C>A on transcript NM_001105206.3 (MANE Select); coding-DNA position 1523, C replaced by A.
Protein change: p.Ala508Asp; replaces alanine 508 with aspartic acid.
Molecular consequence: missense variant.
Genome position (GRCh38, 1-based): chr6:112,172,639, G>T on the plus strand (C>A on the coding strand, the complement: LAMA4 is on the minus strand). VCF-style: chr6-112172639-G-T. GRCh37 (hg19) VCF-style: chr6-112493841-G-T.
Other names: c.1502C>A, p.Ala501Asp (NM_001105207.3, NM_002290.5); short protein forms A501D, A508D.
Identifiers: ClinVar variation 1774035 (VCV001774035.2), dbSNP rs1489894322, ClinGen allele CA365370492.
Genomic context (GRCh38, chr6:112,172,639, plus strand): 5'-TGAAATGCATTGATGGTGAGTGTCCGCTGTACCTCATGGTCCCGCTGCCTGGCTGCTGTG[G>T]CCCTGTTCATGTCTTCGGCATCCCTGACATAGTTAAGGGCCTGGTCAAGTGCTTCCTGGA-3'
Protein context (NP_001098676.2, residues 498-518): YVRDAEDMNR[Ala508Asp]TAARQRDHEK